The following is an entry in ClinVar:

ClinVar aggregate classification (germline): Uncertain significance (1 of 4 stars; one submission).

Submission:

Labcorp Genetics (formerly Invitae), Labcorp
Classification: Uncertain significance. Last evaluated: 2021-06-04. Review status: criteria provided, single submitter. Criteria: Invitae Variant Classification Sherloc (09022015). Collection method: clinical testing. Allele origin: germline.
Comment: This sequence change replaces asparagine with serine at codon 190 of the CDH2 protein (p.Asn190Ser). The asparagine residue is highly conserved and there is a small physicochemical difference between asparagine and serine. This variant is not present in population databases (ExAC no frequency). This variant has not been reported in the literature in individuals with CDH2-related conditions. Algorithms developed to predict the effect of missense changes on protein structure and function (SIFT, PolyPhen-2, Align-GVGD) all suggest that this variant is likely to be tolerated, but these predictions have not been confirmed by published functional studies and their clinical significance is uncertain. In summary, the available evidence is currently insufficient to determine the role of this variant in disease. Therefore, it has been classified as a Variant of Uncertain Significance.

NM_001792.5(CDH2):c.569A>G (p.Asn190Ser)

Gene: CDH2 (cadherin 2; minus strand). Cytogenetic location: 18q12.1.
Variant type: single nucleotide variant.
Coding change: c.569A>G on transcript NM_001792.5 (MANE Select); coding-DNA position 569, A replaced by G.
Protein change: p.Asn190Ser; replaces asparagine 190 with serine.
Molecular consequence: missense variant.
Genome position (GRCh38, 1-based): chr18:28,009,850, T>C on the plus strand (A>G on the coding strand, the complement: CDH2 is on the minus strand). VCF-style: chr18-28009850-T-C. GRCh37 (hg19) VCF-style: chr18-25589814-T-C.
Other names: c.476A>G, p.Asn159Ser (NM_001308176.2); short protein forms N159S, N190S.
Identifiers: ClinVar variation 1395635 (VCV001395635.8), dbSNP rs1599030865, ClinGen allele CA402243663.
Genomic context (GRCh38, chr18:28,009,850, plus strand): 5'-AAGATACCAGTTGGAGGCTGGTCAGCTCCTGGCCCAGTTACACTGTACCGCAGTGAAAGG[T>C]TTTTATCTCTATCAGACCTGATCTGAGGATCAAGAAAACAATGACATTAAGTGAGAGACT-3'
Protein context (NP_001783.2, residues 180-200): LVRIRSDRDK[Asn190Ser]LSLRYSVTGP